The following is an entry in ClinVar:

NM_172107.4(KCNQ2):c.1148G>A (p.Arg383Lys)

Gene: KCNQ2 (potassium voltage-gated channel subfamily Q member 2; minus strand). Cytogenetic location: 20q13.33.
Variant type: single nucleotide variant.
Coding change: c.1148G>A on transcript NM_172107.4 (MANE Select); coding-DNA position 1148, G replaced by A.
Protein change: p.Arg383Lys; replaces arginine 383 with lysine.
Molecular consequence: missense variant. On other transcripts: intron variant (1).
Genome position (GRCh38, 1-based): chr20:63,431,340, C>T on the plus strand (G>A on the coding strand, the complement: KCNQ2 is on the minus strand). VCF-style: chr20-63431340-C-T. GRCh37 (hg19) VCF-style: chr20-62062693-C-T.
Other names: c.1148G>A, p.Arg383Lys (NM_001382235.1, NM_172106.3, NM_172108.5); c.1118+2469G>A (NM_004518.6); c.1148G>A (NM_172107.2); short protein forms R383K.
Identifiers: ClinVar variation 2153640 (VCV002153640.5), dbSNP rs2516331006, ClinGen allele CA409650625.
Genomic context (GRCh38, chr20:63,431,340, plus strand): 5'-TTCCAGACACAGAACTAGAACCACACACACACACAGGGCTTCTGTCCATGCATTTCCTAC[C>T]TGGAGGCCCCGTAGGTTTGAGTTTGCGAACTTTCAAGTGTTTCCACACACACAAAGGGAA-3'
Protein context (NP_742105.1, residues 373-393): SSQTQTYGAS[Arg383Lys]LIPPLNQLEL

ClinVar aggregate classification (germline): Uncertain significance. Review status: criteria provided, multiple submitters, no conflicts (2 of 4 stars). 2 submissions from 2 submitters: Uncertain significance (2). Last evaluated 2024-12-06.

Conditions:
Early-infantile DEE. Also called: Early infantile epileptic encephalopathy; Early infantile epileptic encephalopathy with suppression bursts; Ohtahara syndrome. Identifiers: Orphanet 1934, MedGen C0393706, MONDO:0800491.

Submissions (2):

GeneDx
Classification: Uncertain significance. Last evaluated: 2024-12-06. Review status: criteria provided, single submitter. Criteria: GeneDx Variant Classification Process June 2021. Collection method: clinical testing. Allele origin: germline. Affected: yes.
Comment: Not observed at significant frequency in large population cohorts (gnomAD); In silico analysis supports a deleterious effect on splicing; In silico analysis indicates that this missense variant does not alter protein structure/function; Has not been previously published as pathogenic or benign to our knowledge; This substitution is predicted to be within the C-terminal cytoplasmic domain

Labcorp Genetics (formerly Invitae), Labcorp
Classification: Uncertain significance for Early-infantile DEE. Last evaluated: 2023-06-27. Review status: criteria provided, single submitter. Criteria: Invitae Variant Classification Sherloc (09022015). Collection method: clinical testing. Allele origin: germline.
Comment: In summary, the available evidence is currently insufficient to determine the role of this variant in disease. Therefore, it has been classified as a Variant of Uncertain Significance. Variants that disrupt the consensus splice site are a relatively common cause of aberrant splicing (PMID: 17576681, 9536098). Algorithms developed to predict the effect of sequence changes on RNA splicing suggest that this variant may disrupt the consensus splice site. An algorithm developed to predict the effect of missense changes on protein structure and function (PolyPhen-2) suggests that this variant is likely to be tolerated. ClinVar contains an entry for this variant (Variation ID: 2153640). This variant has not been reported in the literature in individuals affected with KCNQ2-related conditions. This variant is not present in population databases (gnomAD no frequency). This sequence change replaces arginine, which is basic and polar, with lysine, which is basic and polar, at codon 383 of the KCNQ2 protein (p.Arg383Lys). This variant also falls at the last nucleotide of exon 9, which is part of the consensus splice site for this exon.

Literature cited by the submitters: PubMed 17576681 (cited by Labcorp Genetics (formerly Invitae), Labcorp); PubMed 9536098 (cited by Labcorp Genetics (formerly Invitae), Labcorp).